The following is an entry in ClinVar:

NM_001003841.3(SLC6A19):c.664-1G>A

Gene: SLC6A19 (solute carrier family 6 member 19; plus strand). Cytogenetic location: 5p15.33.
Variant type: single nucleotide variant.
Coding change: c.664-1G>A on transcript NM_001003841.3 (MANE Select); the canonical splice acceptor site of the intron before coding-DNA position 664, G replaced by A.
Molecular consequence: splice acceptor variant.
Genome position (GRCh38, 1-based): chr5:1,213,462, G>A. VCF-style: chr5-1213462-G-A. GRCh37 (hg19) VCF-style: chr5-1213577-G-A.
Identifiers: ClinVar variation 2977105 (VCV002977105.3), dbSNP rs2477938724, ClinGen allele CA359067252.

ClinVar aggregate classification (germline): Likely pathogenic (1 of 4 stars; one submission).

Submission:

Labcorp Genetics (formerly Invitae), Labcorp
Classification: Likely pathogenic. Last evaluated: 2023-01-07. Review status: criteria provided, single submitter. Criteria: Invitae Variant Classification Sherloc (09022015). Collection method: clinical testing. Allele origin: germline.
Comment: This variant has not been reported in the literature in individuals affected with SLC6A19-related conditions. In summary, the currently available evidence indicates that the variant is pathogenic, but additional data are needed to prove that conclusively. Therefore, this variant has been classified as Likely Pathogenic. Algorithms developed to predict the effect of sequence changes on RNA splicing suggest that this variant may disrupt the consensus splice site. This variant is not present in population databases (gnomAD no frequency). This sequence change affects an acceptor splice site in intron 4 of the SLC6A19 gene. It is expected to disrupt RNA splicing. Variants that disrupt the donor or acceptor splice site typically lead to a loss of protein function (PMID: 16199547), and loss-of-function variants in SLC6A19 are known to be pathogenic (PMID: 15286787, 15286788).

Literature cited by the submitters: PubMed 16199547; PubMed 15286787; PubMed 15286788.